The following is an entry in ClinVar:

ClinVar aggregate classification (germline): Uncertain significance. Review status: criteria provided, multiple submitters, no conflicts (2 of 4 stars). 2 submissions from 2 submitters: Uncertain significance (2). Last evaluated 2024-10-07.

Submissions (2):

Labcorp Genetics (formerly Invitae), Labcorp
Classification: Uncertain significance. Last evaluated: 2024-10-07. Review status: criteria provided, single submitter. Criteria: Invitae Variant Classification Sherloc (09022015). Collection method: clinical testing. Allele origin: germline.
Comment: This sequence change replaces arginine, which is basic and polar, with leucine, which is neutral and non-polar, at codon 1854 of the SRCAP protein (p.Arg1854Leu). This variant is not present in population databases (gnomAD no frequency). This variant has not been reported in the literature in individuals affected with SRCAP-related conditions. ClinVar contains an entry for this variant (Variation ID: 1804195). Invitae Evidence Modeling of protein sequence and biophysical properties (such as structural, functional, and spatial information, amino acid conservation, physicochemical variation, residue mobility, and thermodynamic stability) indicates that this missense variant is not expected to disrupt SRCAP protein function with a negative predictive value of 80%. In summary, the available evidence is currently insufficient to determine the role of this variant in disease. Therefore, it has been classified as a Variant of Uncertain Significance.

GeneDx
Classification: Uncertain significance. Last evaluated: 2022-06-17. Review status: criteria provided, single submitter. Criteria: GeneDx Variant Classification Process June 2021. Collection method: clinical testing. Allele origin: germline. Affected: yes.
Comment: Not observed at significant frequency in large population cohorts (gnomAD); In silico analysis supports that this missense variant has a deleterious effect on protein structure/function; Has not been previously published as pathogenic or benign to our knowledge

NM_006662.3(SRCAP):c.5561G>T (p.Arg1854Leu)

Gene: SRCAP (Snf2 related CREBBP activator protein; plus strand). Cytogenetic location: 16p11.2.
Variant type: single nucleotide variant.
Coding change: c.5561G>T on transcript NM_006662.3 (MANE Select); coding-DNA position 5561, G replaced by T.
Protein change: p.Arg1854Leu; replaces arginine 1854 with leucine.
Molecular consequence: missense variant.
Genome position (GRCh38, 1-based): chr16:30,724,985, G>T. VCF-style: chr16-30724985-G-T. GRCh37 (hg19) VCF-style: chr16-30736306-G-T.
Other names: short protein forms R1854L.
Identifiers: ClinVar variation 1804195 (VCV001804195.4), dbSNP rs746926335, ClinGen allele CA395618970.